The following is an entry in ClinVar:

ClinVar aggregate classification (germline): Benign. Review status: criteria provided, multiple submitters, no conflicts (2 of 4 stars). 3 submissions from 3 submitters: Benign (2). 1 of the submissions does not count toward it. Last evaluated 2026-02-04.

Conditions:
ARHGEF18-related disorder. Also called: ARHGEF18-related condition.

Allele frequency attached by ClinVar (database versions not stated): gnomAD 0.21169 and 0.21311; ExAC 0.30224; 1000 Genomes Project 30x 0.18957; gnomAD exomes 0.22223 and 0.20018; 1000 Genomes Project 0.18730; TOPMed 0.21354; ESP Exome Variant Server 0.20567.
gnomAD v4.1: 350,436 of 1,585,982 alleles (22%); highest among the groups gnomAD compares: Middle Eastern, 25%; 39,593 homozygotes.

Submissions (3):

Labcorp Genetics (formerly Invitae), Labcorp
Classification: Benign. Last evaluated: 2026-02-04. Review status: criteria provided, single submitter. Criteria: Invitae Variant Classification Sherloc (09022015). Collection method: clinical testing. Allele origin: germline.

Breakthrough Genomics
Classification: Benign. Review status: criteria provided, single submitter. Criteria: ACMG Guidelines, 2015. Collection method: not provided. Allele origin: germline. Inheritance: Autosomal recessive inheritance. Affected: yes.

PreventionGenetics, part of Exact Sciences
Classification: Benign for ARHGEF18-related condition. Last evaluated: 2019-10-23. Review status: no assertion criteria provided. Collection method: clinical testing. Allele origin: germline. Not counted in ClinVar's aggregate classification.
Comment: This variant is classified as benign based on ACMG/AMP sequence variant interpretation guidelines (Richards et al. 2015 PMID: 25741868, with internal and published modifications).

NM_001367823.1(ARHGEF18):c.2418C>T (p.Val806=)

Gene: ARHGEF18 (Rho/Rac guanine nucleotide exchange factor 18; plus strand). Cytogenetic location: 19p13.2.
Variant type: single nucleotide variant.
Coding change: c.2418C>T on transcript NM_001367823.1 (MANE Select); coding-DNA position 2418, C replaced by T.
Protein change: p.Val806=; no amino-acid change (valine 806 retained).
Molecular consequence: synonymous variant.
Genome position (GRCh38, 1-based): chr19:7,459,960, C>T. VCF-style: chr19-7459960-C-T. GRCh37 (hg19) VCF-style: chr19-7524846-C-T.
Other names: c.1692C>T, p.Val564= (NM_001130955.2); c.1380C>T, p.Val460= (NM_001367824.1, NM_015318.4); c.1854C>T (NM_001130955.1).
Identifiers: ClinVar variation 1164633 (VCV001164633.12), dbSNP rs2287914, ClinGen allele CA9136827.
Genomic context (GRCh38, chr19:7,459,960, plus strand): 5'-CAGCTGCCCTGACGAGGAGGAGGGGCCCTTCAGCCTGCCCGAAGAGGAAAGGAAGGTGGT[C>T]GAGGCCCGCGCCACGAGACTCCGGGACTTTCAAGGTGAGCGGGAGACAGCGTCTGGGCAC-3'
Protein context (NP_001354752.1, residues 796-816): FSLPEEERKV[Val806=]EARATRLRDF